The following is an entry in ClinVar:

ClinVar aggregate classification (germline): Uncertain significance (1 of 4 stars; one submission).

Conditions:
Short-rib thoracic dysplasia 6 with or without polydactyly (SRTD6). Also called: POLYDACTYLY WITH NEONATAL CHONDRODYSTROPHY, TYPE II; Majewski Syndrome; SHORT-RIB THORACIC DYSPLASIA 6 WITH POLYDACTYLY; SHORT-RIB THORACIC DYSPLASIA 6 WITHOUT POLYDACTYLY; SHORT RIB-POLYDACTYLY SYNDROME, TYPE IIA. Identifiers: MedGen C0024507, MONDO:0009894, OMIM 263520.

gnomAD v4.1: 2 of 1,611,746 alleles (0.00012%); highest among the groups gnomAD compares: Non-Finnish European, 0.00017%; no homozygotes.

Submission:

Labcorp Genetics (formerly Invitae), Labcorp
Classification: Uncertain significance for Short-rib thoracic dysplasia 6 with or without polydactyly. Last evaluated: 2024-05-23. Review status: criteria provided, single submitter. Criteria: Invitae Variant Classification Sherloc (09022015). Collection method: clinical testing. Allele origin: germline.
Comment: This sequence change replaces lysine, which is basic and polar, with glutamic acid, which is acidic and polar, at codon 887 of the NEK1 protein (p.Lys887Glu). This variant is present in population databases (no rsID available, gnomAD 0.0009%). This variant has not been reported in the literature in individuals affected with NEK1-related conditions. Advanced modeling of protein sequence and biophysical properties (such as structural, functional, and spatial information, amino acid conservation, physicochemical variation, residue mobility, and thermodynamic stability) performed at Invitae indicates that this missense variant is not expected to disrupt NEK1 protein function with a negative predictive value of 80%. In summary, the available evidence is currently insufficient to determine the role of this variant in disease. Therefore, it has been classified as a Variant of Uncertain Significance.

NM_001199397.3(NEK1):c.2743A>G (p.Lys915Glu)

Gene: NEK1 (NIMA related kinase 1; minus strand). Cytogenetic location: 4q33.
Variant type: single nucleotide variant.
Coding change: c.2743A>G on transcript NM_001199397.3 (MANE Select); coding-DNA position 2743, A replaced by G.
Protein change: p.Lys915Glu; replaces lysine 915 with glutamic acid.
Molecular consequence: missense variant. On other transcripts: non-coding transcript variant (1), intron variant (1).
Genome position (GRCh38, 1-based): chr4:169,438,104, T>C on the plus strand (A>G on the coding strand, the complement: NEK1 is on the minus strand). VCF-style: chr4-169438104-T-C. GRCh37 (hg19) VCF-style: chr4-170359255-T-C.
Other names: c.2611A>G, p.Lys871Glu (NM_001199398.3); c.2452A>G, p.Lys818Glu (NM_001199399.3); c.2527A>G, p.Lys843Glu (NM_001199400.3); c.2743A>G, p.Lys915Glu (NM_001374418.1); c.2659A>G, p.Lys887Glu (NM_001374419.1, NM_012224.4); c.2608A>G, p.Lys870Glu (NM_001374420.1); c.2282-4439A>G (NM_001374421.1); short protein forms K818E, K843E, K887E, K870E, K871E, K915E.
Identifiers: ClinVar variation 3701079 (VCV003701079.2).